The following is an entry in ClinVar:

NM_000263.4(NAGLU):c.1173T>G (p.Tyr391Ter)

Gene: NAGLU (N-acetyl-alpha-glucosaminidase; plus strand). Cytogenetic location: 17q21.2.
Variant type: single nucleotide variant.
Coding change: c.1173T>G on transcript NM_000263.4 (MANE Select); coding-DNA position 1173, T replaced by G.
Protein change: p.Tyr391Ter; replaces tyrosine 391 with a stop codon.
Molecular consequence: nonsense.
Genome position (GRCh38, 1-based): chr17:42,543,179, T>G. VCF-style: chr17-42543179-T-G. GRCh37 (hg19) VCF-style: chr17-40695197-T-G.
Other names: short protein forms Y391*.
Identifiers: ClinVar variation 5003498 (VCV005003498.1).

ClinVar aggregate classification (germline): Pathogenic (1 of 4 stars; one submission).

Conditions:
Mucopolysaccharidosis, MPS-III-B (MPS3B). Also called: SANFILIPPO SYNDROME B; MUCOPOLYSACCHARIDOSIS, TYPE IIIB; Mucopolysaccharidosis type IIIB (Sanfilippo B); MPS IIIB (Sanfilippo Syndrome Type B); N-ACETYL-ALPHA-D-GLUCOSAMINIDASE DEFICIENCY; NAGLU DEFICIENCY. Identifiers: Orphanet 79270, MedGen C0086648, MONDO:0009656, OMIM 252920.

gnomAD v4.1: 1 of 1,614,202 alleles (0.000062%); highest among the groups gnomAD compares: Non-Finnish European, 0.000085%; no homozygotes.

Submission:

Myriad Genetics, Inc.
Classification: Pathogenic for Mucopolysaccharidosis, MPS-III-B. Last evaluated: 2026-04-30. Review status: criteria provided, single submitter. Criteria: Myriad Autosomal Dominant, Autosomal Recessive and X-Linked Classification Criteria (2023). Collection method: clinical testing. Allele origin: unknown.
Comment: NM_000263.3(NAGLU):c.1173T>G(Y391*) is a nonsense variant classified as pathogenic in the context of mucopolysaccharidosis type IIIB. Y391* has been observed in a case with relevant disease (PMID: 27590925). Relevant functional assessments of this variant are not available in the literature. Y391* has not been observed in referenced population frequency databases. In summary, NM_000263.3(NAGLU):c.1173T>G(Y391*) is a nonsense variant in a gene where loss of function is a known mechanism of disease, is predicted to disrupt protein function, and has been observed more frequently in cases with the relevant disease than in healthy populations. Please note: this variant was assessed in the context of healthy population screening.

Literature cited by the submitters: PubMed 27590925.